The following is an entry in ClinVar:

NM_017755.6(NSUN2):c.1997C>T (p.Ala666Val)

Gene: NSUN2 (NOP2/Sun RNA methyltransferase 2; minus strand). Cytogenetic location: 5p15.31.
Variant type: single nucleotide variant.
Coding change: c.1997C>T on transcript NM_017755.6 (MANE Select); coding-DNA position 1997, C replaced by T.
Protein change: p.Ala666Val; replaces alanine 666 with valine.
Molecular consequence: missense variant. On other transcripts: non-coding transcript variant (1).
Genome position (GRCh38, 1-based): chr5:6,602,461, G>A on the plus strand (C>T on the coding strand, the complement: NSUN2 is on the minus strand). VCF-style: chr5-6602461-G-A. GRCh37 (hg19) VCF-style: chr5-6602574-G-A.
Other names: c.1892C>T, p.Ala631Val (NM_001193455.2); short protein forms A631V, A666V.
Identifiers: ClinVar variation 4685062 (VCV004685062.1).

ClinVar aggregate classification (germline): Uncertain significance (1 of 4 stars; one submission).

gnomAD v4.1: 32 of 1,613,678 alleles (0.002%); highest among the groups gnomAD compares: South Asian, 0.0088%; no homozygotes.

Submission:

GeneDx
Classification: Uncertain significance. Last evaluated: 2025-07-11. Review status: criteria provided, single submitter. Criteria: GeneDx Variant Classification Process June 2021. Collection method: clinical testing. Allele origin: germline. Affected: yes.
Comment: In silico analysis suggests that this missense variant does not alter protein structure/function; Has not been previously published as pathogenic or benign to our knowledge